The following is an entry in ClinVar:

ClinVar aggregate classification (germline): Uncertain significance (1 of 4 stars; one submission).

Conditions:
EP300-related disorder. Also called: EP300-related condition; EP300-related disorders.

gnomAD v4.1: 2 of 1,613,680 alleles (0.00012%); highest among the groups gnomAD compares: African/African-American, 0.0027%; no homozygotes.

Submission:

PreventionGenetics, part of Exact Sciences
Classification: Uncertain significance for EP300-related condition. Last evaluated: 2025-02-11. Review status: criteria provided, single submitter. Criteria: ACMG Guidelines, 2015. Collection method: clinical testing. Allele origin: germline.
Comment: The EP300 c.6007C>T variant is predicted to result in the amino acid substitution p.Pro2003Ser. To our knowledge, this variant has not been reported in the literature. This variant is reported in 0.011% of alleles in individuals of African descent in gnomAD. At this time, the clinical significance of this variant is uncertain due to the absence of conclusive functional and genetic evidence.

NM_001429.4(EP300):c.6007C>T (p.Pro2003Ser)

Gene: EP300 (EP300 lysine acetyltransferase; plus strand). Cytogenetic location: 22q13.2.
Variant type: single nucleotide variant.
Coding change: c.6007C>T on transcript NM_001429.4 (MANE Select); coding-DNA position 6007, C replaced by T.
Protein change: p.Pro2003Ser; replaces proline 2003 with serine.
Molecular consequence: missense variant.
Genome position (GRCh38, 1-based): chr22:41,177,718, C>T. VCF-style: chr22-41177718-C-T. GRCh37 (hg19) VCF-style: chr22-41573722-C-T.
Other names: c.5929C>T, p.Pro1977Ser (NM_001362843.2); short protein forms P1977S, P2003S.
Identifiers: ClinVar variation 4983445 (VCV004983445.1).